The following is an entry in ClinVar:

ClinVar aggregate classification (germline): Uncertain significance (1 of 4 stars; one submission).

Conditions:
Hereditary cancer-predisposing syndrome. Also called: Neoplastic Syndromes, Hereditary; Tumor predisposition; Hereditary Cancer Syndrome; Hereditary neoplastic syndrome. Identifiers: Orphanet 140162, MedGen C0027672, MeSH D009386, MONDO:0015356.

Submission:

Ambry Genetics
Classification: Uncertain significance for Hereditary cancer-predisposing syndrome. Last evaluated: 2026-02-16. Review status: criteria provided, single submitter. Criteria: Ambry Variant Classification Scheme 2023. Collection method: clinical testing. Allele origin: germline.
Comment: The p.C836S variant (also known as c.2507G>C), located in coding exon 22 of the POLE gene, results from a G to C substitution at nucleotide position 2507. The cysteine at codon 836 is replaced by serine, an amino acid with dissimilar properties. This amino acid position is highly conserved in available vertebrate species. In addition, the in silico prediction for this alteration is inconclusive. Based on the available evidence, the clinical significance of this variant remains unclear.

NM_006231.4(POLE):c.2507G>C (p.Cys836Ser)

Gene: POLE (DNA polymerase epsilon, catalytic subunit; minus strand). Cytogenetic location: 12q24.33.
Variant type: single nucleotide variant.
Coding change: c.2507G>C on transcript NM_006231.4 (MANE Select); coding-DNA position 2507, G replaced by C.
Protein change: p.Cys836Ser; replaces cysteine 836 with serine.
Molecular consequence: missense variant.
Genome position (GRCh38, 1-based): chr12:132,664,424, C>G on the plus strand (G>C on the coding strand, the complement: POLE is on the minus strand). VCF-style: chr12-132664424-C-G. GRCh37 (hg19) VCF-style: chr12-133241010-C-G.
Other names: short protein forms C836S.
Identifiers: ClinVar variation 4844272 (VCV004844272.1).